The following is an entry in ClinVar:

NM_020821.3(VPS13C):c.5247A>G (p.Gln1749=)

Gene: VPS13C (vacuolar protein sorting 13 homolog C; minus strand). Cytogenetic location: 15q22.2.
Variant type: single nucleotide variant.
Coding change: c.5247A>G on transcript NM_020821.3 (MANE Select); coding-DNA position 5247, A replaced by G.
Protein change: p.Gln1749=; no amino-acid change (glutamine 1749 retained).
Molecular consequence: synonymous variant.
Genome position (GRCh38, 1-based): chr15:61,941,969, T>C on the plus strand (A>G on the coding strand, the complement: VPS13C is on the minus strand). VCF-style: chr15-61941969-T-C. GRCh37 (hg19) VCF-style: chr15-62234168-T-C.
Other names: c.5247A>G, p.Gln1749= (NM_001018088.3); c.5118A>G, p.Gln1706= (NM_017684.5, NM_018080.4); c.5247A>G (NM_020821.2).
Identifiers: ClinVar variation 3672114 (VCV003672114.3).
Genomic context (GRCh38, chr15:61,941,969, plus strand): 5'-CTGAGGAATAATAATAACTGGTGCTTTCAAATTAATATCCATCAAAAGGCGGAAACTCTT[T>C]TGAGCCAAGTCTTTCATGCTGGAAGCAGCTCTTTCTGCAGCCTGGACTGTGGCTGTACTC-3'
Protein context (NP_065872.1, residues 1739-1759): RAASSMKDLA[Gln1749=]KSFRLLMDIN

ClinVar aggregate classification (germline): Likely benign. Review status: criteria provided, multiple submitters, no conflicts (2 of 4 stars). 2 submissions from 2 submitters: Likely benign (2). Last evaluated 2025-11-09.

Conditions:
VPS13C-related disorder. Also called: VPS13C-related condition.

gnomAD v4.1: 46 of 1,614,034 alleles (0.0029%); highest among the groups gnomAD compares: Admixed American, 0.042%; no homozygotes.

Submissions (2):

Labcorp Genetics (formerly Invitae), Labcorp
Classification: Likely benign. Last evaluated: 2025-11-09. Review status: criteria provided, single submitter. Criteria: Invitae Variant Classification Sherloc (09022015). Collection method: clinical testing. Allele origin: germline.

PreventionGenetics, part of Exact Sciences
Classification: Likely benign for VPS13C-related condition. Last evaluated: 2025-04-28. Review status: criteria provided, single submitter. Criteria: ACMG Guidelines, 2015. Collection method: clinical testing. Allele origin: germline.
Comment: This variant is classified as likely benign based on ACMG/AMP sequence variant interpretation guidelines (Richards et al. 2015 PMID: 25741868, with internal and published modifications).